The following is an entry in ClinVar:

ClinVar aggregate classification (germline): Pathogenic. Review status: criteria provided, single submitter (1 of 4 stars). 2 submissions from 2 submitters: Pathogenic (1). 1 of the submissions does not count toward it. Last evaluated 2025-02-26.

Conditions:
Epilepsy. Also called: Seizure disorder. Identifiers: MedGen C0014544, MeSH D004827, MONDO:0005027.
PIGQ-related disorder. Also called: PIGQ-related condition.

Submissions (2):

Labcorp Genetics (formerly Invitae), Labcorp
Classification: Pathogenic for Epilepsy. Last evaluated: 2025-02-26. Review status: criteria provided, single submitter. Criteria: Invitae Variant Classification Sherloc (09022015). Collection method: clinical testing. Allele origin: germline.
Comment: This sequence change creates a premature translational stop signal (p.Cys378*) in the PIGQ gene. It is expected to result in an absent or disrupted protein product. Loss-of-function variants in PIGQ are known to be pathogenic (PMID: 24463883, 25558065). This variant is not present in population databases (gnomAD no frequency). This variant has not been reported in the literature in individuals affected with PIGQ-related conditions. ClinVar contains an entry for this variant (Variation ID: 3031382). Algorithms developed to predict the effect of sequence changes on RNA splicing suggest that this variant may disrupt the consensus splice site. For these reasons, this variant has been classified as Pathogenic.

PreventionGenetics, part of Exact Sciences
Classification: Likely pathogenic for PIGQ-related condition. Last evaluated: 2024-02-10. Review status: no assertion criteria provided. Collection method: clinical testing. Allele origin: germline. Not counted in ClinVar's aggregate classification.
Comment: The PIGQ c.1134_1143del10 variant is predicted to result in premature protein termination (p.Cys378*). To our knowledge, this variant has not been reported in the literature or in a large population database, indicating this variant is rare. Nonsense variants in PIGQ are expected to be pathogenic. This variant is interpreted as likely pathogenic.

Literature cited by the submitters: PubMed 24463883 (cited by Labcorp Genetics (formerly Invitae), Labcorp); PubMed 25558065 (cited by Labcorp Genetics (formerly Invitae), Labcorp).

NM_004204.5(PIGQ):c.1134_1143del (p.Ala377_Cys378insTer)

Gene: PIGQ (phosphatidylinositol glycan anchor biosynthesis class Q; plus strand). Cytogenetic location: 16p13.3.
Variant type: Deletion.
Coding change: c.1134_1143del on transcript NM_004204.5 (MANE Select); coding-DNA positions 1134 to 1143, 10 bases deleted (CCTGGGCCTG; older notation c.1134_1143delCCTGGGCCTG).
Protein change: p.Ala377_Cys378insTer.
Molecular consequence: nonsense.
Genome position (GRCh38, 1-based): chr16:578,849-578,858, CCTGGGCCTG deleted; deleting any 10 consecutive bases within chr16:578,843-578,858 gives the same sequence; the c. name uses the placement nearest the transcript's 3' end. VCF-style (leftmost placement, unchanged base first): chr16-578842-CGGCCTGCCTG-C. GRCh37 (hg19) VCF-style: chr16-628842-CGGCCTGCCTG-C.
Other names: c.1134_1143del, p.Ala377_Cys378insTer (NM_148920.4).
Identifiers: ClinVar variation 3031382 (VCV003031382.4), dbSNP rs2505936870, ClinGen allele CA2630824624.